The following is an entry in ClinVar:

NM_004946.3(DOCK2):c.1277T>C (p.Ile426Thr)

Gene: DOCK2 (dedicator of cytokinesis 2; plus strand). Cytogenetic location: 5q35.1.
Variant type: single nucleotide variant.
Coding change: c.1277T>C on transcript NM_004946.3 (MANE Select); coding-DNA position 1277, T replaced by C.
Protein change: p.Ile426Thr; replaces isoleucine 426 with threonine.
Molecular consequence: missense variant. On other transcripts: non-coding transcript variant (1).
Genome position (GRCh38, 1-based): chr5:169,702,321, T>C. VCF-style: chr5-169702321-T-C. GRCh37 (hg19) VCF-style: chr5-169129325-T-C.
Other names: short protein forms I426T.
Identifiers: ClinVar variation 1434132 (VCV001434132.6), dbSNP rs1761017505, ClinGen allele CA362105976.

ClinVar aggregate classification (germline): Uncertain significance (1 of 4 stars; one submission).

Conditions:
DOCK2 deficiency. Also called: Immunodeficiency 40. Identifiers: Orphanet 447737, MedGen C4225328, MONDO:0014637, OMIM 616433.

Allele frequency attached by ClinVar (database versions not stated): TOPMed below 0.00001.

Submission:

Labcorp Genetics (formerly Invitae), Labcorp
Classification: Uncertain significance for DOCK2 deficiency. Last evaluated: 2021-11-27. Review status: criteria provided, single submitter. Criteria: Invitae Variant Classification Sherloc (09022015). Collection method: clinical testing. Allele origin: germline.
Comment: In summary, the available evidence is currently insufficient to determine the role of this variant in disease. Therefore, it has been classified as a Variant of Uncertain Significance. Algorithms developed to predict the effect of missense changes on protein structure and function (SIFT, PolyPhen-2, Align-GVGD) all suggest that this variant is likely to be disruptive. This variant has not been reported in the literature in individuals affected with DOCK2-related conditions. This variant is not present in population databases (gnomAD no frequency). This sequence change replaces isoleucine, which is neutral and non-polar, with threonine, which is neutral and polar, at codon 426 of the DOCK2 protein (p.Ile426Thr).